The following is an entry in ClinVar:

NM_024675.4(PALB2):c.2100A>G (p.Ser700=)

Gene: PALB2 (partner and localizer of BRCA2; minus strand). Cytogenetic location: 16p12.2.
Variant type: single nucleotide variant.
Coding change: c.2100A>G on transcript NM_024675.4 (MANE Select); coding-DNA position 2100, A replaced by G.
Protein change: p.Ser700=; no amino-acid change (serine 700 retained).
Molecular consequence: synonymous variant.
Genome position (GRCh38, 1-based): chr16:23,630,054, T>C on the plus strand (A>G on the coding strand, the complement: PALB2 is on the minus strand). VCF-style: chr16-23630054-T-C. GRCh37 (hg19) VCF-style: chr16-23641375-T-C.
Other names: c.2100A>G (NM_024675.3).
Identifiers: ClinVar variation 1130651 (VCV001130651.13), dbSNP rs757145884, ClinGen allele CA279492782.

ClinVar aggregate classification (germline): Benign/Likely benign. Review status: criteria provided, multiple submitters, no conflicts (2 of 4 stars). 3 submissions from 3 submitters: Benign (1); Likely benign (2). Last evaluated 2025-01-15.

Conditions:
Hereditary cancer-predisposing syndrome. Also called: Hereditary neoplastic syndrome; Hereditary Cancer Syndrome; Tumor predisposition; Neoplastic Syndromes, Hereditary. Identifiers: Orphanet 140162, MedGen C0027672, MeSH D009386, MONDO:0015356.
Familial cancer of breast. Also called: BREAST CANCER, FAMILIAL; hereditary breast carcinoma; Hereditary breast cancer. Identifiers: Orphanet 227535, MedGen C0346153, MONDO:0016419, OMIM 114480. Disease mechanism: loss of function.

Submissions (3):

Myriad Genetics, Inc.
Classification: Benign for Familial cancer of breast. Last evaluated: 2025-01-15. Review status: criteria provided, single submitter. Criteria: Myriad Autosomal Dominant, Autosomal Recessive and X-Linked Classification Criteria (2023). Collection method: clinical testing. Allele origin: unknown.
Comment: This variant is considered benign. This variant is a silent/synonymous amino acid change and it is not expected to impact splicing.

Ambry Genetics
Classification: Likely benign for Hereditary cancer-predisposing syndrome. Last evaluated: 2023-03-08. Review status: criteria provided, single submitter. Criteria: Ambry Variant Classification Scheme 2023. Collection method: clinical testing. Allele origin: germline.

Labcorp Genetics (formerly Invitae), Labcorp
Classification: Likely benign for Familial cancer of breast. Last evaluated: 2020-04-21. Review status: criteria provided, single submitter. Criteria: Invitae Variant Classification Sherloc (09022015). Collection method: clinical testing. Allele origin: germline.